The following is an entry in ClinVar:

ClinVar aggregate classification (germline): Uncertain significance. Review status: criteria provided, multiple submitters, no conflicts (2 of 4 stars). 3 submissions from 3 submitters: Uncertain significance (2). 1 of the submissions does not count toward it. Last evaluated 2026-08-31.

Conditions:
TTN-related disorder. Also called: TTN-related condition; TTN-related disease; TTN-related disorders.
Dilated cardiomyopathy 1G (CMD1G). Identifiers: Orphanet 154, MedGen C1858763, MONDO:0011400, OMIM 604145.
Autosomal recessive limb-girdle muscular dystrophy type 2J (LGMDR10). Also called: Limb-girdle muscular dystrophy, type 2J; MUSCULAR DYSTROPHY, LIMB-GIRDLE, AUTOSOMAL RECESSIVE 10. Identifiers: Orphanet 140922, MedGen C1837342, MONDO:0012127, OMIM 608807.

Allele frequency attached by ClinVar (database versions not stated): gnomAD exomes 0.00001 and 0.00002; gnomAD 0.00002 and 0.00003; ExAC 0.00003; TOPMed 0.00003; ESP Exome Variant Server 0.00017.
gnomAD v4.1: 22 of 1,613,192 alleles (0.0014%); highest among the groups gnomAD compares: Non-Finnish European, 0.0018%; no homozygotes.

Submissions (3):

PreventionGenetics, part of Exact Sciences
Classification: Uncertain significance for TTN-related condition. Last evaluated: 2026-08-31. Review status: criteria provided, single submitter. Criteria: ACMG Guidelines, 2015. Collection method: clinical testing. Allele origin: germline.
Comment: The TTN c.74185G>A variant is predicted to result in the amino acid substitution p.Ala24729Thr. To our knowledge, this variant has not been reported in the literature. This variant is reported in 0.0047% of alleles in individuals of European (Non-Finnish) descent in gnomAD. At this time, the clinical significance of this variant is uncertain due to the absence of conclusive functional and genetic evidence.

Labcorp Genetics (formerly Invitae), Labcorp
Classification: Uncertain significance for Dilated cardiomyopathy 1G; Autosomal recessive limb-girdle muscular dystrophy type 2J. Last evaluated: 2017-05-04. Review status: criteria provided, single submitter. Criteria: Invitae Variant Classification Sherloc (09022015). Collection method: clinical testing. Allele origin: germline.

GeneDx
No classification provided. Last evaluated: 2013-07-08. Review status: no classification provided. Criteria: GeneDx Variant Classification (06012015). Collection method: clinical testing. Allele origin: germline. Affected: yes. Not counted in ClinVar's aggregate classification.
Comment: Missense variants in the TTN gene are considered 'unclassified' if they are not previously reported in the literature and do not have >1% frequency in the population to be considered a polymorphism. Research indicates that truncating mutations in the TTN gene are expected to account for approximately 25% of familial and 18% of sporadic idiopathic DCM; however, truncating variants in the TTN gene have been reported in approximately 3% of reported control alleles. There has been little investigation into non-truncating variants. (Herman D et al. Truncations of titin causing dilated cardiomyopathy. N Eng J Med 366:619-628, 2012) The variant is found in DCM panel(s).

NM_001267550.2(TTN):c.74185G>A (p.Ala24729Thr)

Genes: TTN (titin; minus strand), TTN-AS1 (TTN antisense RNA 1; plus strand). Cytogenetic location: 2q31.2.
Variant type: single nucleotide variant.
Coding change: c.74185G>A on transcript NM_001267550.2 (MANE Select); coding-DNA position 74185, G replaced by A.
Protein change: p.Ala24729Thr; replaces alanine 24729 with threonine.
Molecular consequence: missense variant.
Genome position (GRCh38, 1-based): chr2:178,571,947, C>T on the plus strand (G>A on the coding strand, the complement: TTN is on the minus strand). VCF-style: chr2-178571947-C-T. GRCh37 (hg19) VCF-style: chr2-179436674-C-T.
Other names: p.A23088T:GCA>ACA; c.69262G>A, p.Ala23088Thr (NM_001256850.1); c.46990G>A, p.Ala15664Thr (NM_003319.4); c.66481G>A, p.Ala22161Thr (NM_133378.4); c.47365G>A, p.Ala15789Thr (NM_133432.3); c.47566G>A, p.Ala15856Thr (NM_133437.4); short protein forms A23088T, A24729T, A22161T, A15664T, A15856T, A15789T.
Identifiers: ClinVar variation 202854 (VCV000202854.4), dbSNP rs372007344, ClinGen allele CA310490.